The following is an entry in ClinVar:

NM_001040616.3(LINS1):c.661G>A (p.Asp221Asn)

Gene: LINS1 (lines homolog 1; minus strand). Cytogenetic location: 15q26.3.
Variant type: single nucleotide variant.
Coding change: c.661G>A on transcript NM_001040616.3 (MANE Select); coding-DNA position 661, G replaced by A.
Protein change: p.Asp221Asn; replaces aspartic acid 221 with asparagine.
Molecular consequence: missense variant. On other transcripts: 5 prime UTR variant (1), non-coding transcript variant (3).
Genome position (GRCh38, 1-based): chr15:100,574,212, C>T on the plus strand (G>A on the coding strand, the complement: LINS1 is on the minus strand). VCF-style: chr15-100574212-C-T. GRCh37 (hg19) VCF-style: chr15-101114417-C-T.
Other names: c.-87G>A (NM_001352507.2); c.616G>A, p.Asp206Asn (NM_001352508.2); short protein forms D221N, D206N.
Identifiers: ClinVar variation 587881 (VCV000587881.6), dbSNP rs1567718073, ClinGen allele CA393936778.

ClinVar aggregate classification (germline): Uncertain significance. Review status: criteria provided, multiple submitters, no conflicts (2 of 4 stars). 2 submissions from 2 submitters: Uncertain significance (2). Last evaluated 2018-03-16.

Conditions:
Inborn genetic diseases. Identifiers: MedGen C0950123, MeSH D030342.
Intellectual developmental disorder, autosomal recessive 27. Also called: Intellectual disability, autosomal recessive 27; Mental retardation, autosomal recessive 27. Identifiers: Orphanet 88616, MedGen C3280538, MONDO:0013702, OMIM 614340.

Allele frequency attached by ClinVar (database versions not stated): gnomAD 0.00001; gnomAD exomes below 0.00001; TOPMed below 0.00001.
gnomAD v4.1: 6 of 1,611,250 alleles (0.00037%); highest among the groups gnomAD compares: Non-Finnish European, 0.00042%; no homozygotes.

Submissions (2):

Baylor Genetics
Classification: Uncertain significance for Intellectual developmental disorder, autosomal recessive 27. Last evaluated: 2018-03-16. Review status: criteria provided, single submitter. Criteria: ACMG Guidelines, 2015. Collection method: clinical testing. Allele origin: unknown. Affected: yes.
Comment: This variant was determined to be of uncertain significance according to ACMG Guidelines, 2015 [PMID:25741868].

Ambry Genetics
Classification: Uncertain significance for Inborn genetic diseases. Last evaluated: 2016-05-26. Review status: criteria provided, single submitter. Criteria: Ambry Variant Classification Scheme 2023. Collection method: clinical testing. Allele origin: germline.
Comment: The p.D221N variant (also known as c.661G>A), located in coding exon 4 of the LINS gene, results from a G to A substitution at nucleotide position 661. The aspartic acid at codon 221 is replaced by asparagine, an amino acid with highly similar properties. This variant was not reported in population based cohorts in the following databases: Database of Single Nucleotide Polymorphisms (dbSNP), NHLBI Exome Sequencing Project (ESP), and 1000 Genomes Project. In the ESP, this variant was not observed in 6440 samples (12880 alleles) with coverage at this position. This amino acid position is not well conserved in available vertebrate species. In addition, this alteration is predicted to be tolerated by in silico analysis. Since supporting evidence is limited at this time, the clinical significance of this alteration remains unclear.